The following is an entry in ClinVar:

ClinVar aggregate classification (germline): Uncertain significance. Review status: criteria provided, multiple submitters, no conflicts (2 of 4 stars). 2 submissions from 2 submitters: Uncertain significance (2). Last evaluated 2021-09-26.

Conditions:
Inborn genetic diseases. Identifiers: MedGen C0950123, MeSH D030342.
Xeroderma pigmentosum (XP). Identifiers: Orphanet 910, MedGen C0043346, MONDO:0019600.

Submissions (2):

Ambry Genetics
Classification: Uncertain significance for Inborn genetic diseases. Last evaluated: 2021-09-26. Review status: criteria provided, single submitter. Criteria: Ambry Variant Classification Scheme 2023. Collection method: clinical testing. Allele origin: germline.
Comment: The p.D688E variant (also known as c.2064C>G), located in coding exon 22 of the ERCC2 gene, results from a C to G substitution at nucleotide position 2064. The aspartic acid at codon 688 is replaced by glutamic acid, an amino acid with highly similar properties. This amino acid position is conserved. In addition, the in silico prediction for this alteration is inconclusive. Since supporting evidence is limited at this time, the clinical significance of this alteration remains unclear.

Sema4
Classification: Uncertain significance for Xeroderma pigmentosum. Last evaluated: 2021-05-18. Review status: criteria provided, single submitter. Criteria: Sema4 Curation Guidelines. Collection method: curation. Allele origin: germline.
Comment: The ERCC2 c.2064C>G (p.D688E) variant has not been reported in the literature to our knowledge. It was not observed in the large and broad cohorts of the Genome Aggregation Database (PMID: 32461654). The variant has not been reported in ClinVar. This variant involves a highly conserved amino acid, and computational analyses do not provide strong support for or against an impact to the protein, though these predictions have not been confirmed by published functional studies. The evidence is insufficient to meet ACMG/AMP criteria for classifying the variant as benign or pathogenic. Thus, the clinical significance of this variant is currently uncertain.

NM_000400.4(ERCC2):c.2064C>G (p.Asp688Glu)

Gene: ERCC2 (ERCC excision repair 2, TFIIH core complex helicase subunit; minus strand). Cytogenetic location: 19q13.32.
Variant type: single nucleotide variant.
Coding change: c.2064C>G on transcript NM_000400.4 (MANE Select); coding-DNA position 2064, C replaced by G.
Protein change: p.Asp688Glu; replaces aspartic acid 688 with glutamic acid.
Molecular consequence: missense variant.
Genome position (GRCh38, 1-based): chr19:45,352,335, G>C on the plus strand (C>G on the coding strand, the complement: ERCC2 is on the minus strand). VCF-style: chr19-45352335-G-C. GRCh37 (hg19) VCF-style: chr19-45855593-G-C.
Other names: short protein forms D688E.
Identifiers: ClinVar variation 1692433 (VCV001692433.3), dbSNP rs1260724831, ClinGen allele CA406362472.
Genomic context (GRCh38, chr19:45,352,335, plus strand): 5'-CAGGTTGAGGTTGGCATCTGTGAGGTGCTCCTGGATCCAGCGGGGCAGCTTCCCCCGCTT[G>C]TCCCCACGGGCAAACCGCTGTGGGCAGAAGCGCAGGCCAGGGACAGAAGGTCATTCGGGG-3'
Protein context (NP_000391.1, residues 678-698): VFADKRFARG[Asp688Glu]KRGKLPRWIQ